The following is an entry in ClinVar:

ClinVar aggregate classification (germline): Uncertain significance (1 of 4 stars; one submission).

Allele frequency attached by ClinVar (database versions not stated): gnomAD 0.00001 and 0.00003; TOPMed 0.00002; ExAC 0.00004; gnomAD exomes 0.00005 and 0.00006; 1000 Genomes Project 0.00040; 1000 Genomes Project 30x 0.00047.

Submission:

Labcorp Genetics (formerly Invitae), Labcorp
Classification: Uncertain significance. Last evaluated: 2025-04-28. Review status: criteria provided, single submitter. Criteria: Invitae Variant Classification Sherloc (09022015). Collection method: clinical testing. Allele origin: germline.
Comment: This sequence change replaces glycine, which is neutral and non-polar, with serine, which is neutral and polar, at codon 2968 of the CPLANE1 protein (p.Gly2968Ser). This variant is present in population databases (rs540797695, gnomAD 0.04%). This variant has not been reported in the literature in individuals affected with CPLANE1-related conditions. ClinVar contains an entry for this variant (Variation ID: 1003788). Invitae Evidence Modeling of protein sequence and biophysical properties (such as structural, functional, and spatial information, amino acid conservation, physicochemical variation, residue mobility, and thermodynamic stability) indicates that this missense variant is not expected to disrupt CPLANE1 protein function with a negative predictive value of 95%. In summary, the available evidence is currently insufficient to determine the role of this variant in disease. Therefore, it has been classified as a Variant of Uncertain Significance.

NM_001384732.1(CPLANE1):c.9064G>A (p.Gly3022Ser)

Gene: CPLANE1 (ciliogenesis and planar polarity effector complex subunit 1; minus strand). Cytogenetic location: 5p13.2.
Variant type: single nucleotide variant.
Coding change: c.9064G>A on transcript NM_001384732.1 (MANE Select); coding-DNA position 9064, G replaced by A.
Protein change: p.Gly3022Ser; replaces glycine 3022 with serine.
Molecular consequence: missense variant.
Genome position (GRCh38, 1-based): chr5:37,121,738, C>T on the plus strand (G>A on the coding strand, the complement: CPLANE1 is on the minus strand). VCF-style: chr5-37121738-C-T. GRCh37 (hg19) VCF-style: chr5-37121840-C-T.
Other names: c.8902G>A, p.Gly2968Ser (NM_023073.4); short protein forms G2968S, G3022S.
Identifiers: ClinVar variation 1003788 (VCV001003788.6), dbSNP rs540797695, ClinGen allele CA3237573.
Genomic context (GRCh38, chr5:37,121,738, plus strand): 5'-ATGGTTTCTGTGGTAGAGTTGGTAGCTGTACTGACTCAGATAACAGTTCATTCATCAGAC[C>T]GTACGCTTGTGAGATTCGACGACTATAGTGTTCAGAGAGCAGCAATCTGTAGACAAAGAA-3'
Protein context (NP_001371661.1, residues 3012-3032): HYSRRISQAY[Gly3022Ser]LMNELLSESV